The following is an entry in ClinVar:

ClinVar aggregate classification (germline): Conflicting classifications of pathogenicity. Review status: criteria provided, conflicting classifications (1 of 4 stars). 3 submissions from 3 submitters: Uncertain significance (2); Likely benign (1). Last evaluated 2023-09-25.

Conditions:
Dilated cardiomyopathy 1G (CMD1G). Identifiers: Orphanet 154, MedGen C1858763, MONDO:0011400, OMIM 604145.
Autosomal recessive limb-girdle muscular dystrophy type 2J (LGMDR10). Also called: Limb-girdle muscular dystrophy, type 2J; MUSCULAR DYSTROPHY, LIMB-GIRDLE, AUTOSOMAL RECESSIVE 10. Identifiers: Orphanet 140922, MedGen C1837342, MONDO:0012127, OMIM 608807.

Allele frequency attached by ClinVar (database versions not stated): gnomAD 0.00002 and 0.00003; gnomAD exomes 0.00002 and 0.00007; TOPMed 0.00003; ExAC 0.00010.

Submissions (3):

Revvity Omics, Revvity
Classification: Uncertain significance. Last evaluated: 2023-09-25. Review status: criteria provided, single submitter. Criteria: ACMG Guidelines, 2015. Collection method: clinical testing. Allele origin: germline.

CeGaT Center for Human Genetics Tuebingen
Classification: Likely benign. Last evaluated: 2023-08-01. Review status: criteria provided, single submitter. Criteria: CeGaT Center For Human Genetics Tuebingen Variant Classification Criteria Version 2. Collection method: clinical testing. Allele origin: germline. Affected: yes. Observed: 1 variant allele.
Comment: TTN: BP4

Labcorp Genetics (formerly Invitae), Labcorp
Classification: Uncertain significance for Dilated cardiomyopathy 1G; Autosomal recessive limb-girdle muscular dystrophy type 2J. Last evaluated: 2017-12-23. Review status: criteria provided, single submitter. Criteria: Invitae Variant Classification Sherloc (09022015). Collection method: clinical testing. Allele origin: germline.

NM_001267550.2(TTN):c.65566G>A (p.Ala21856Thr)

Genes: TTN-AS1 (TTN antisense RNA 1; plus strand), TTN (titin; minus strand). Cytogenetic location: 2q31.2.
Variant type: single nucleotide variant.
Coding change: c.65566G>A on transcript NM_001267550.2 (MANE Select); coding-DNA position 65566, G replaced by A.
Protein change: p.Ala21856Thr; replaces alanine 21856 with threonine.
Molecular consequence: missense variant. On other transcripts: non-coding transcript variant (1).
Genome position (GRCh38, 1-based): chr2:178,583,616, C>T on the plus strand (G>A on the coding strand, the complement: TTN is on the minus strand). VCF-style: chr2-178583616-C-T. GRCh37 (hg19) VCF-style: chr2-179448343-C-T.
Other names: c.60643G>A, p.Ala20215Thr (NM_001256850.1); c.38371G>A, p.Ala12791Thr (NM_003319.4); c.57862G>A, p.Ala19288Thr (NM_133378.4); c.38746G>A, p.Ala12916Thr (NM_133432.3); c.38947G>A, p.Ala12983Thr (NM_133437.4); short protein forms A21856T, A12791T, A12983T, A12916T, A20215T, A19288T.
Identifiers: ClinVar variation 535329 (VCV000535329.31), dbSNP rs752176305, ClinGen allele CA1991684.